The following is an entry in ClinVar:

ClinVar aggregate classification (germline): Uncertain significance (1 of 4 stars; one submission).

Conditions:
Intellectual developmental disorder with autistic features and language delay, with or without seizures. Identifiers: MedGen C5394447, MONDO:0030051, OMIM 618906.

Submission:

Neuberg Centre For Genomic Medicine, NCGM
Classification: Uncertain significance for Intellectual developmental disorder with autistic features and language delay, with or without seizures. Last evaluated: 2023-06-22. Review status: criteria provided, single submitter. Criteria: ACMG Guidelines, 2015. Collection method: clinical testing. Allele origin: germline. Inheritance: Autosomal dominant inheritance. Affected: yes.
Comment: The observed inframe deletion c.179_184del(p.Asp60_Tyr61del) variant in TANC2 gene has not been reported previously as a pathogenic variant nor as a benign variant, to our knowledge. This variant is reported with the allele frequency of 0.001% in the gnomAD Exomes. This p.Asp60_Tyr61del causes deletion of amino acid Aspartic Acid at position 60 to Tyrosine at position 61. For these reasons, this variant has been classified as Uncertain Significance.

NM_001394998.1(TANC2):c.179_184del (p.Asp60_Tyr61del)

Gene: TANC2 (tetratricopeptide repeat, ankyrin repeat and coiled-coil containing 2; plus strand). Cytogenetic location: 17q23.2.
Variant type: Deletion.
Coding change: c.179_184del on transcript NM_001394998.1 (MANE Select); coding-DNA positions 179 to 184, 6 bases deleted (ACTACG; older notation c.179_184delACTACG).
Protein change: p.Asp60_Tyr61del.
Genome position (GRCh38, 1-based): chr17:63,099,214-63,099,219, ACTACG deleted; deleting any 6 consecutive bases within chr17:63,099,213-63,099,219 gives the same sequence; the c. name uses the placement nearest the transcript's 3' end. VCF-style (leftmost placement, unchanged base first): chr17-63099212-AGACTAC-A. GRCh37 (hg19) VCF-style: chr17-61176573-AGACTAC-A.
Other names: c.179_184del, p.Asp60_Tyr61del (NM_001411076.1, NM_025185.4).
Identifiers: ClinVar variation 3377554 (VCV003377554.1).